The following is an entry in ClinVar:

ClinVar aggregate classification (germline): Pathogenic (1 of 4 stars; one submission).

Conditions:
Hereditary breast ovarian cancer syndrome. Also called: Hereditary breast and ovarian cancer syndrome (HBOC); Hereditary breast and ovarian cancer syndrome; Hereditary breast and ovarian cancer; Breast and ovarian cancer; BRCA1- and BRCA2-Associated Hereditary Breast and Ovarian Cancer; Hereditary breast and/or ovarian cancer syndrome. Identifiers: Orphanet 145, MedGen C0677776, MeSH D061325, MONDO:0003582. Disease mechanism: loss of function.

Submission:

Labcorp Genetics (formerly Invitae), Labcorp
Classification: Pathogenic for Hereditary breast ovarian cancer syndrome. Last evaluated: 2022-06-26. Review status: criteria provided, single submitter. Criteria: Invitae Variant Classification Sherloc (09022015). Collection method: clinical testing. Allele origin: germline.
Comment: This variant is not present in population databases (gnomAD no frequency). This sequence change creates a premature translational stop signal (p.Glu1335Metfs*37) in the BRCA2 gene. It is expected to result in an absent or disrupted protein product. Loss-of-function variants in BRCA2 are known to be pathogenic (PMID: 20104584). This variant has not been reported in the literature in individuals affected with BRCA2-related conditions. For these reasons, this variant has been classified as Pathogenic.

Literature cited by the submitters: PubMed 20104584.

NM_000059.4(BRCA2):c.3999_4005del (p.Glu1335fs)

Gene: BRCA2 (BRCA2 DNA repair associated; plus strand). Cytogenetic location: 13q13.1.
Variant type: Deletion.
Coding change: c.3999_4005del on transcript NM_000059.4 (MANE Select); coding-DNA positions 3999 to 4005, 7 bases deleted (CTTAGAA; older notation c.3999_4005delCTTAGAA).
Protein change: p.Glu1335fs; shifts the reading frame from glutamic acid 1335.
Molecular consequence: frameshift variant.
Genome position (GRCh38, 1-based): chr13:32,338,354-32,338,360, CTTAGAA deleted; deleting any 7 consecutive bases within chr13:32,338,352-32,338,360 gives the same sequence; the c. name uses the placement nearest the transcript's 3' end. VCF-style (leftmost placement, unchanged base first): chr13-32338351-TAACTTAG-T. GRCh37 (hg19) VCF-style: chr13-32912488-TAACTTAG-T.
Other names: c.3999_4005delCTTAGAA, p.Glu1335Metfs (NM_001406719.1, NM_001406720.1); short protein forms E1335fs.
Identifiers: ClinVar variation 2010736 (VCV002010736.4), dbSNP rs2548527379, ClinGen allele CA2580087234.